The following is an entry in ClinVar:

NM_005585.5(SMAD6):c.792C>A (p.Tyr264Ter)

Gene: SMAD6 (SMAD family member 6; plus strand). Cytogenetic location: 15q22.31.
Variant type: single nucleotide variant.
Coding change: c.792C>A on transcript NM_005585.5 (MANE Select); coding-DNA position 792, C replaced by A.
Protein change: p.Tyr264Ter; replaces tyrosine 264 with a stop codon.
Molecular consequence: nonsense. On other transcripts: non-coding transcript variant (1).
Genome position (GRCh38, 1-based): chr15:66,704,050, C>A. VCF-style: chr15-66704050-C-A. GRCh37 (hg19) VCF-style: chr15-66996388-C-A.
Other names: short protein forms Y264*.
Identifiers: ClinVar variation 1315797 (VCV001315797.6), dbSNP rs1424182433, ClinGen allele CA392950256.
Genomic context (GRCh38, chr15:66,704,050, plus strand): 5'-GTGCGGCTGCCACAGCTTCGCCGCCGCCGCCGACGGCCCTACCGTGTGCTGCAACCCCTA[C>A]CACTTCAGCCGGCTCTGCGGGCCCGGTGAGCGCGCTGCGCCGGCCGGGGGGGCCCCGGGT-3'

ClinVar aggregate classification (germline): Pathogenic/Likely pathogenic. Review status: criteria provided, multiple submitters, no conflicts (2 of 4 stars). 2 submissions from 2 submitters: Pathogenic (1); Likely pathogenic (1). Last evaluated 2025-11-07.

Conditions:
Aortic valve disease 2 (AOVD2). Identifiers: MedGen C3542024, MONDO:0013902, OMIM 614823.

gnomAD v4.1: 4 of 1,507,862 alleles (0.00027%); highest among the groups gnomAD compares: Non-Finnish European, 0.00035%; no homozygotes.

Submissions (2):

GeneDx
Classification: Pathogenic. Last evaluated: 2025-11-07. Review status: criteria provided, single submitter. Criteria: GeneDx Variant Classification Process June 2021. Collection method: clinical testing. Allele origin: germline. Affected: yes.
Comment: Nonsense variant predicted to result in protein truncation or nonsense mediated decay in a gene for which loss of function is a known mechanism of disease; Not observed at significant frequency in large population cohorts (gnomAD); Has not been previously published as pathogenic or benign to our knowledge

Genomics, Clalit Research Institute, Clalit Health Care
Classification: Likely pathogenic for Aortic valve disease 2. Last evaluated: 2025-01-05. Review status: criteria provided, single submitter. Criteria: ACMG Guidelines, 2015. Collection method: clinical testing. Allele origin: germline. Inheritance: Autosomal dominant inheritance. Affected: yes. Observed: 1 heterozygote.
Comment: Inheritance: The variant was identified in the Heterozygous state in the sample. Frequency: The variant is absent from the gnomAD reference population dataset. Variant type: Null variant (stop gain) in a gene where loss of function is a known mechanism of disease. Predicted to undergo NMD. Clinical evidence: This variant has previously been described in ClinVar (VCV1315797) with the following classifications: VUS (1). Criteria: PM2_P, PVS1